The following is an entry in ClinVar:

NM_005535.3(IL12RB1):c.64+1G>T

Gene: IL12RB1 (interleukin 12 receptor subunit beta 1; minus strand). Cytogenetic location: 19p13.11.
Variant type: single nucleotide variant.
Coding change: c.64+1G>T on transcript NM_005535.3 (MANE Select); the canonical splice donor site of the intron after coding-DNA position 64, G replaced by T.
Molecular consequence: splice donor variant.
Genome position (GRCh38, 1-based): chr19:18,086,759, C>A on the plus strand (G>T on the coding strand, the complement: IL12RB1 is on the minus strand). VCF-style: chr19-18086759-C-A. GRCh37 (hg19) VCF-style: chr19-18197569-C-A.
Other names: c.184+1G>T (NM_001290024.2, NM_001440427.1, NM_001440426.1); c.64+1G>T (NM_001290023.2, NM_001440425.1, NM_001440424.1 and 1 more transcripts).
Identifiers: ClinVar variation 2736850 (VCV002736850.3), dbSNP rs2515491207, ClinGen allele CA404791135.
Genomic context (GRCh38, chr19:18,086,759, plus strand): 5'-CACACATACACGTGCCTCCACCCAGCAAGAGGAGCCGCCATGCCAGGGTCAGGGGACTCA[C>A]CGCCCTGCCTGGACAGCAGGAAGAGGAAGAGGAGGGGGACCACCCAGGTCACCAGCGGCT-3'

ClinVar aggregate classification (germline): Pathogenic (1 of 4 stars; one submission).

Conditions:
Mendelian susceptibility to mycobacterial diseases due to complete IL12RB1 deficiency. Also called: Immunodeficiency 30; IL12RB1 DEFICIENCY. Identifiers: Orphanet 319552, MedGen C4013949, MONDO:0013955, OMIM 614891.

Submission:

Labcorp Genetics (formerly Invitae), Labcorp
Classification: Pathogenic for Mendelian susceptibility to mycobacterial diseases due to complete IL12RB1 deficiency. Last evaluated: 2023-02-11. Review status: criteria provided, single submitter. Criteria: Invitae Variant Classification Sherloc (09022015). Collection method: clinical testing. Allele origin: germline.
Comment: This sequence change affects a donor splice site in intron 1 of the IL12RB1 gene. It is expected to disrupt RNA splicing. Variants that disrupt the donor or acceptor splice site typically lead to a loss of protein function (PMID: 16199547), and loss-of-function variants in IL12RB1 are known to be pathogenic (PMID: 9603733, 12591909). This variant is not present in population databases (gnomAD no frequency). Disruption of this splice site has been observed in individual(s) with clinical features of Mendelian susceptibility to mycobacterial disease (PMID: 21905505). Algorithms developed to predict the effect of sequence changes on RNA splicing suggest that this variant may disrupt the consensus splice site. For these reasons, this variant has been classified as Pathogenic.

Literature cited by the submitters: PubMed 16199547; PubMed 9603733; PubMed 12591909; PubMed 21905505.